The following is an entry in ClinVar:

ClinVar aggregate classification (germline): Uncertain significance (1 of 4 stars; one submission).

Allele frequency attached by ClinVar (database versions not stated): gnomAD 0.00001; TOPMed 0.00001.
gnomAD v4.1: 9 of 1,613,830 alleles (0.00056%); highest among the groups gnomAD compares: South Asian, 0.0022%; no homozygotes.

Submission:

Labcorp Genetics (formerly Invitae), Labcorp
Classification: Uncertain significance. Last evaluated: 2022-06-01. Review status: criteria provided, single submitter. Criteria: Invitae Variant Classification Sherloc (09022015). Collection method: clinical testing. Allele origin: germline.
Comment: This sequence change replaces valine, which is neutral and non-polar, with methionine, which is neutral and non-polar, at codon 683 of the BMP1 protein (p.Val683Met). This variant is present in population databases (rs781187309, gnomAD 0.009%). This variant has not been reported in the literature in individuals affected with BMP1-related conditions. Algorithms developed to predict the effect of missense changes on protein structure and function are either unavailable or do not agree on the potential impact of this missense change (SIFT: "Deleterious"; PolyPhen-2: "Possibly Damaging"; Align-GVGD: "Class C15"). In summary, the available evidence is currently insufficient to determine the role of this variant in disease. Therefore, it has been classified as a Variant of Uncertain Significance.

NM_006129.5(BMP1):c.2047G>A (p.Val683Met)

Gene: BMP1 (bone morphogenetic protein 1; plus strand). Cytogenetic location: 8p21.3.
Variant type: single nucleotide variant.
Coding change: c.2047G>A on transcript NM_006129.5 (MANE Select); coding-DNA position 2047, G replaced by A.
Protein change: p.Val683Met; replaces valine 683 with methionine.
Molecular consequence: missense variant. On other transcripts: non-coding transcript variant (2).
Genome position (GRCh38, 1-based): chr8:22,197,360, G>A. VCF-style: chr8-22197360-G-A. GRCh37 (hg19) VCF-style: chr8-22054873-G-A.
Other names: c.2047G>A, p.Val683Met (NM_001199.4); short protein forms V683M.
Identifiers: ClinVar variation 1946487 (VCV001946487.2), dbSNP rs781187309, ClinGen allele CA4664916.